The following is an entry in ClinVar:

NM_001323.4(CST6):c.295del (p.Arg99fs)

Gene: CST6 (cystatin E/M; plus strand). Cytogenetic location: 11q13.1.
Variant type: Deletion.
Coding change: c.295del on transcript NM_001323.4 (MANE Select); coding-DNA position 295, one base deleted (C; older notation c.295delC).
Protein change: p.Arg99fs; shifts the reading frame from arginine 99.
Molecular consequence: frameshift variant.
Genome position (GRCh38, 1-based): chr11:66,012,880, C deleted; the last of 2 consecutive C bases (chr11:66,012,879-66,012,880); deleting either gives the same sequence. VCF-style (leftmost placement, unchanged base first): chr11-66012878-GC-G. GRCh37 (hg19) VCF-style: chr11-65780349-GC-G.
Other names: c.295delC (NM_001323.4); short protein forms R99fs.
Identifiers: ClinVar variation 4845922 (VCV004845922.1).

ClinVar aggregate classification (germline): Likely pathogenic (1 of 4 stars; one submission).

Conditions:
Ectodermal dysplasia 15, hypohidrotic/hair type. Identifiers: MedGen C5193145, MONDO:0032804, OMIM 618535.

Submission:

First Genomix Gene Laboratory, Genetic Diagnostics Department
Classification: Likely pathogenic for Ectodermal dysplasia 15, hypohidrotic/hair type. Last evaluated: 2025-04-30. Review status: criteria provided, single submitter. Criteria: ACMG Guidelines, 2015. Collection method: clinical testing. Allele origin: germline. Inheritance: Autosomal recessive inheritance. Affected: no. Observed: 1 variant allele.